The following is an entry in ClinVar:

ClinVar aggregate classification (germline): Uncertain significance (1 of 4 stars; one submission).

Conditions:
Epileptic encephalopathy. Identifiers: MedGen C0543888, HP:0200134.

gnomAD v4.1: 1 of 1,613,916 alleles (0.000062%); highest among the groups gnomAD compares: Non-Finnish European, 0.000085%; no homozygotes.

Submission:

Labcorp Genetics (formerly Invitae), Labcorp
Classification: Uncertain significance for Epileptic encephalopathy. Last evaluated: 2019-01-26. Review status: criteria provided, single submitter. Criteria: Invitae Variant Classification Sherloc (09022015). Collection method: clinical testing. Allele origin: germline.
Comment: In summary, the available evidence is currently insufficient to determine the role of this variant in disease. Therefore, it has been classified as a Variant of Uncertain Significance. Algorithms developed to predict the effect of missense changes on protein structure and function (SIFT, PolyPhen-2, Align-GVGD) all suggest that this variant is likely to be tolerated, but these predictions have not been confirmed by published functional studies and their clinical significance is uncertain. This variant has not been reported in the literature in individuals with RYR3-related conditions. This variant is not present in population databases (ExAC no frequency). This sequence change replaces tryptophan with glycine at codon 2524 of the RYR3 protein (p.Trp2524Gly). The tryptophan residue is moderately conserved and there is a large physicochemical difference between tryptophan and glycine.

NM_001036.6(RYR3):c.7570T>G (p.Trp2524Gly)

Gene: RYR3 (ryanodine receptor 3; plus strand). Cytogenetic location: 15q14.
Variant type: single nucleotide variant.
Coding change: c.7570T>G on transcript NM_001036.6 (MANE Select); coding-DNA position 7570, T replaced by G.
Protein change: p.Trp2524Gly; replaces tryptophan 2524 with glycine.
Molecular consequence: missense variant.
Genome position (GRCh38, 1-based): chr15:33,738,504, T>G. VCF-style: chr15-33738504-T-G. GRCh37 (hg19) VCF-style: chr15-34030705-T-G.
Other names: c.7570T>G, p.Trp2524Gly (NM_001243996.4); short protein forms W2524G.
Identifiers: ClinVar variation 859300 (VCV000859300.9), dbSNP rs750760036, ClinGen allele CA391580182.
Genomic context (GRCh38, chr15:33,738,504, plus strand): 5'-TCCCAGCTTCTGACGAATCACTATGAACAGTGTTGGAAGTATTACTGCCTGCCTTCAGGA[T>G]GGGGGAGCTACGGGCTAGCTGTGGAAGAAGAGCTGCACCTAACGGAGAAGCTTTTCTGGG-3'
Protein context (NP_001027.3, residues 2514-2534): CWKYYCLPSG[Trp2524Gly]GSYGLAVEEE